The following is an entry in ClinVar:

NM_017986.4(SLC52A1):c.815A>T (p.His272Leu)

Gene: SLC52A1 (solute carrier family 52 member 1; minus strand). Cytogenetic location: 17p13.2.
Variant type: single nucleotide variant.
Coding change: c.815A>T on transcript NM_017986.4 (MANE Select); coding-DNA position 815, A replaced by T.
Protein change: p.His272Leu; replaces histidine 272 with leucine.
Molecular consequence: missense variant.
Genome position (GRCh38, 1-based): chr17:5,033,674, T>A on the plus strand (A>T on the coding strand, the complement: SLC52A1 is on the minus strand). VCF-style: chr17-5033674-T-A. GRCh37 (hg19) VCF-style: chr17-4936969-T-A.
Other names: c.815A>T, p.His272Leu (NM_001104577.2); c.815A>T (NM_001104577.1); short protein forms H272L.
Identifiers: ClinVar variation 1003103 (VCV001003103.11), dbSNP rs137917213, ClinGen allele CA8319705.

ClinVar aggregate classification (germline): Conflicting classifications of pathogenicity. Review status: criteria provided, conflicting classifications (1 of 4 stars). 2 submissions from 2 submitters: Uncertain significance (1); Likely benign (1). Last evaluated 2026-06-23.

Conditions:
SLC52A1-related disorder. Also called: SLC52A1-related condition.
Vitamin B2 deficiency. Identifiers: MedGen C0035528.

Allele frequency attached by ClinVar (database versions not stated): gnomAD exomes 0.00003 and 0.00009; ExAC 0.00014; 1000 Genomes Project 0.00020; 1000 Genomes Project 30x 0.00031; ESP Exome Variant Server 0.00031; gnomAD 0.00033 and 0.00035; TOPMed 0.00041.
gnomAD v4.1: 88 of 1,614,042 alleles (0.0055%); highest among the groups gnomAD compares: African/African-American, 0.1%; no homozygotes.

Submissions (2):

PreventionGenetics, part of Exact Sciences
Classification: Likely benign for SLC52A1-related condition. Last evaluated: 2026-06-23. Review status: criteria provided, single submitter. Criteria: ACMG Guidelines, 2015. Collection method: clinical testing. Allele origin: germline.
Comment: This variant is classified as likely benign based on ACMG/AMP sequence variant interpretation guidelines (Richards et al. 2015 PMID: 25741868, with internal and published modifications).

Labcorp Genetics (formerly Invitae), Labcorp
Classification: Uncertain significance for Vitamin B2 deficiency. Last evaluated: 2026-01-27. Review status: criteria provided, single submitter. Criteria: Invitae Variant Classification Sherloc (09022015). Collection method: clinical testing. Allele origin: germline.
Comment: This sequence change replaces histidine, which is basic and polar, with leucine, which is neutral and non-polar, at codon 272 of the SLC52A1 protein (p.His272Leu). This variant is present in population databases (rs137917213, gnomAD 0.1%), and has an allele count higher than expected for a pathogenic variant. This variant has not been reported in the literature in individuals affected with SLC52A1-related conditions. ClinVar contains an entry for this variant (Variation ID: 1003103). Invitae Evidence Modeling of protein sequence and biophysical properties (such as structural, functional, and spatial information, amino acid conservation, physicochemical variation, residue mobility, and thermodynamic stability) indicates that this missense variant is not expected to disrupt SLC52A1 protein function with a negative predictive value of 80%. In summary, the available evidence is currently insufficient to determine the role of this variant in disease. Therefore, it has been classified as a Variant of Uncertain Significance.